The following is an entry in ClinVar:

NM_005228.5(EGFR):c.3574G>A (p.Ala1192Thr)

Gene: EGFR (epidermal growth factor receptor; plus strand). Cytogenetic location: 7p11.2.
Variant type: single nucleotide variant.
Coding change: c.3574G>A on transcript NM_005228.5 (MANE Select); coding-DNA position 3574, G replaced by A.
Protein change: p.Ala1192Thr; replaces alanine 1192 with threonine.
Molecular consequence: missense variant.
Genome position (GRCh38, 1-based): chr7:55,205,558, G>A. VCF-style: chr7-55205558-G-A. GRCh37 (hg19) VCF-style: chr7-55273251-G-A.
Other names: c.3439G>A, p.Ala1147Thr (NM_001346899.2); c.3415G>A, p.Ala1139Thr (NM_001346900.2); c.2773G>A, p.Ala925Thr (NM_001346941.2); short protein forms A1139T, A1147T, A1192T, A925T.
Identifiers: ClinVar variation 1008399 (VCV001008399.8), dbSNP rs773041247, ClinGen allele CA4266427.
Genomic context (GRCh38, chr7:55,205,558, plus strand): 5'-TACCAGCAGGACTTCTTTCCCAAGGAAGCCAAGCCAAATGGCATCTTTAAGGGCTCCACA[G>A]CTGAAAATGCAGAATACCTAAGGGTCGCGCCACAAAGCAGTGAATTTATTGGAGCATGAC-3'
Protein context (NP_005219.2, residues 1182-1202): KPNGIFKGST[Ala1192Thr]ENAEYLRVAP

ClinVar aggregate classification (germline): Uncertain significance (1 of 4 stars; one submission).

Conditions:
EGFR-related lung cancer (EGFR). Identifiers: MedGen CN130014.

Allele frequency attached by ClinVar (database versions not stated): gnomAD exomes below 0.00001; ExAC 0.00001.
gnomAD v4.1: 2 of 1,614,194 alleles (0.00012%); highest among the groups gnomAD compares: Non-Finnish European, 0.00017%; no homozygotes.

Submission:

Labcorp Genetics (formerly Invitae), Labcorp
Classification: Uncertain significance for EGFR-related lung cancer. Last evaluated: 2020-07-23. Review status: criteria provided, single submitter. Criteria: Invitae Variant Classification Sherloc (09022015). Collection method: clinical testing. Allele origin: germline.
Comment: This sequence change replaces alanine with threonine at codon 1192 of the EGFR protein (p.Ala1192Thr). The alanine residue is moderately conserved and there is a small physicochemical difference between alanine and threonine. In summary, the available evidence is currently insufficient to determine the role of this variant in disease. Therefore, it has been classified as a Variant of Uncertain Significance. Algorithms developed to predict the effect of missense changes on protein structure and function are either unavailable or do not agree on the potential impact of this missense change (SIFT: "Tolerated"; PolyPhen-2: "Probably Damaging"; Align-GVGD: "Class C0"). This variant has not been reported in the literature in individuals with EGFR-related conditions. This variant is present in population databases (rs773041247, ExAC 0.001%).